The following is an entry in ClinVar:

ClinVar aggregate classification (germline): Likely benign. Review status: criteria provided, multiple submitters, no conflicts (2 of 4 stars). 3 submissions from 3 submitters: Likely benign (3). Last evaluated 2026-01-20.

Conditions:
Autosomal dominant limb-girdle muscular dystrophy type 1F (LGMDD2). Also called: Limb-girdle muscular dystrophy, type 1F; MUSCULAR DYSTROPHY, LIMB-GIRDLE, AUTOSOMAL DOMINANT 2. Identifiers: Orphanet 55595, MedGen C1842062, MONDO:0012034, OMIM 608423.

Allele frequency attached by ClinVar (database versions not stated): TOPMed 0.00017; ExAC 0.00019; gnomAD exomes 0.00022 and 0.00037; ESP Exome Variant Server 0.00023; gnomAD 0.00025 and 0.00026.
gnomAD v4.1: 573 of 1,613,352 alleles (0.036%); highest among the groups gnomAD compares: Non-Finnish European, 0.042%; no homozygotes.

Submissions (3):

Labcorp Genetics (formerly Invitae), Labcorp
Classification: Likely benign for Autosomal dominant limb-girdle muscular dystrophy type 1F. Last evaluated: 2026-01-20. Review status: criteria provided, single submitter. Criteria: Invitae Variant Classification Sherloc (09022015). Collection method: clinical testing. Allele origin: germline.

Blueprint Genetics
Classification: Likely benign. Last evaluated: 2024-11-22. Review status: criteria provided, single submitter. Criteria: ACMG Guidelines, 2015. Collection method: clinical testing. Allele origin: germline.

GeneDx
Classification: Likely benign. Last evaluated: 2016-09-22. Review status: criteria provided, single submitter. Criteria: GeneDx Variant Classification (06012015). Collection method: clinical testing. Allele origin: germline. Affected: yes.
Comment: This variant is considered likely benign or benign based on one or more of the following criteria: it is a conservative change, it occurs at a poorly conserved position in the protein, it is predicted to be benign by multiple in silico algorithms, and/or has population frequency not consistent with disease.

NM_012470.4(TNPO3):c.2061+18G>A

Gene: TNPO3 (transportin 3; minus strand). Cytogenetic location: 7q32.1.
Variant type: single nucleotide variant.
Coding change: c.2061+18G>A on transcript NM_012470.4 (MANE Select); 18 bases into the intron after coding-DNA position 2061, G replaced by A.
Molecular consequence: intron variant.
Genome position (GRCh38, 1-based): chr7:128,978,965, C>T on the plus strand (G>A on the coding strand, the complement: TNPO3 is on the minus strand). VCF-style: chr7-128978965-C-T. GRCh37 (hg19) VCF-style: chr7-128619019-C-T.
Other names: c.1917+18G>A (NM_001382221.1); c.1914+18G>A (NM_001382222.1); c.1953+18G>A (NM_001382219.1); c.1869+18G>A (NM_001382223.1, NM_001191028.3); c.1920+1006G>A (NM_001382220.1); c.2061+18G>A (NM_001382218.1); c.2163+18G>A (NM_001382216.1); c.2142+18G>A (NM_001382217.1).
Identifiers: ClinVar variation 389135 (VCV000389135.10), dbSNP rs376309645, ClinGen allele CA4477993.